The following is an entry in ClinVar:

NM_000044.6(AR):c.2612C>A (p.Ala871Glu)

Gene: AR (androgen receptor; plus strand). Cytogenetic location: Xq12.
Variant type: single nucleotide variant.
Coding change: c.2612C>A on transcript NM_000044.6 (MANE Select); coding-DNA position 2612, C replaced by A.
Protein change: p.Ala871Glu; replaces alanine 871 with glutamic acid.
Molecular consequence: missense variant.
Genome position (GRCh38, 1-based): chrX:67,723,690, C>A. VCF-style: chrX-67723690-C-A. GRCh37 (hg19) VCF-style: chrX-66943532-C-A.
Other names: c.1016C>A, p.Ala339Glu (NM_001011645.3); short protein forms A339E, A871E.
Identifiers: ClinVar variation 3759649 (VCV003759649.2).

ClinVar aggregate classification (germline): Pathogenic (1 of 4 stars; one submission).

Conditions:
Kennedy disease (SMAX1). Also called: SPINAL AND BULBAR MUSCULAR ATROPHY, X-LINKED 1; KENNEDY SPINAL AND BULBAR MUSCULAR ATROPHY; Spinal and Bulbar Muscular Atrophy. Identifiers: Orphanet 481, MedGen C1839259, MONDO:0010735, OMIM 313200.
Androgen resistance syndrome (AIS). Also called: ANDROGEN RECEPTOR DEFICIENCY; DIHYDROTESTOSTERONE RECEPTOR DEFICIENCY; TESTICULAR FEMINIZATION SYNDROME; Androgen insensitivity syndrome; Androgen insensitivity; DHTR DEFICIENCY. Identifiers: Orphanet 754, Orphanet 99429, MedGen C0039585, MONDO:0019154, OMIM 300068. Disease mechanism: loss of function.

Submission:

Labcorp Genetics (formerly Invitae), Labcorp
Classification: Pathogenic for Kennedy disease; Androgen resistance syndrome. Last evaluated: 2024-11-03. Review status: criteria provided, single submitter. Criteria: Invitae Variant Classification Sherloc (09022015). Collection method: clinical testing. Allele origin: germline.
Comment: This sequence change replaces alanine, which is neutral and non-polar, with glutamic acid, which is acidic and polar, at codon 871 of the AR protein (p.Ala871Glu). This variant is not present in population databases (gnomAD no frequency). This missense change has been observed in individual(s) with clinical features of complete androgen insensitivity syndrome (PMID: 9332480, 36553343; internal data). Invitae Evidence Modeling of protein sequence and biophysical properties (such as structural, functional, and spatial information, amino acid conservation, physicochemical variation, residue mobility, and thermodynamic stability) has been performed for this missense variant. However, the output from this modeling did not meet the statistical confidence thresholds required to predict the impact of this variant on AR protein function. This variant disrupts the p.Ala871 amino acid residue in AR. Other variant(s) that disrupt this residue have been determined to be pathogenic (PMID: 7981687, 8033918, 8723113, 9332480, 20305676, 28261839). This suggests that this residue is clinically significant, and that variants that disrupt this residue are likely to be disease-causing. For these reasons, this variant has been classified as Pathogenic.

Literature cited by the submitters: PubMed 9332480; PubMed 36553343; PubMed 7981687; PubMed 8033918; PubMed 8723113; PubMed 20305676; PubMed 28261839.